The following is an entry in ClinVar:

ClinVar aggregate classification (germline): Uncertain significance (1 of 4 stars; one submission).

Submission:

Labcorp Genetics (formerly Invitae), Labcorp
Classification: Uncertain significance. Last evaluated: 2022-07-30. Review status: criteria provided, single submitter. Criteria: Invitae Variant Classification Sherloc (09022015). Collection method: clinical testing. Allele origin: germline.
Comment: In summary, the available evidence is currently insufficient to determine the role of this variant in disease. Therefore, it has been classified as a Variant of Uncertain Significance. Variants that disrupt the consensus splice site are a relatively common cause of aberrant splicing (PMID: 17576681, 9536098). Algorithms developed to predict the effect of sequence changes on RNA splicing suggest that this variant may create or strengthen a splice site. This variant has not been reported in the literature in individuals affected with MTMR14-related conditions. This sequence change falls in intron 16 of the MTMR14 gene. It does not directly change the encoded amino acid sequence of the MTMR14 protein. It affects a nucleotide within the consensus splice site. This variant is not present in population databases (gnomAD no frequency).

Literature cited by the submitters: PubMed 17576681; PubMed 9536098.

NM_001077525.3(MTMR14):c.1433+3A>G

Gene: MTMR14 (myotubularin related protein 14; plus strand). Cytogenetic location: 3p25.3.
Variant type: single nucleotide variant.
Coding change: c.1433+3A>G on transcript NM_001077525.3 (MANE Select); 3 bases into the intron after coding-DNA position 1433, A replaced by G.
Molecular consequence: intron variant.
Genome position (GRCh38, 1-based): chr3:9,689,085, A>G. VCF-style: chr3-9689085-A-G. GRCh37 (hg19) VCF-style: chr3-9730769-A-G.
Other names: c.1502+3A>G (NM_001400518.1, NM_001400521.1); c.1427+3A>G (NM_001400526.1); c.791+3A>G (NM_001400542.1, NM_001400534.1, NM_001400541.1 and 7 more transcripts); c.1433+3A>G (NM_001077526.3, NM_022485.5); c.1358+3A>G (NM_001400520.1, NM_001400523.1, NM_001400528.1); c.572+3A>G (NM_001400547.1, NM_001400548.1, NM_001400544.1 and 1 more transcripts); c.1430+3A>G (NM_001400519.1, NM_001400522.1); c.716+3A>G (NM_001400538.1, NM_001400549.1); and 5 more.
Identifiers: ClinVar variation 2114292 (VCV002114292.4), dbSNP rs2471034326, ClinGen allele CA2577499501.